The following is an entry in ClinVar:

ClinVar aggregate classification (germline): Pathogenic (1 of 4 stars; one submission).

Conditions:
Epilepsy, X-linked 1, with variable learning disabilities and behavior disorders. Also called: X-linked epilepsy-learning disabilities-behavior disorders syndrome. Identifiers: Orphanet 85294, MedGen C5774177, MONDO:0010339, OMIM 300491.

Submission:

Labcorp Genetics (formerly Invitae), Labcorp
Classification: Pathogenic for Epilepsy, X-linked 1, with variable learning disabilities and behavior disorders. Last evaluated: 2022-08-23. Review status: criteria provided, single submitter. Criteria: Invitae Variant Classification Sherloc (09022015). Collection method: clinical testing. Allele origin: germline.
Comment: For these reasons, this variant has been classified as Pathogenic. This variant has not been reported in the literature in individuals affected with SYN1-related conditions. A gross deletion of the genomic region encompassing the full coding sequence of the SYN1 gene has been identified. Loss-of-function variants in SYN1 are known to be pathogenic (PMID: 14985377, 21441247). The boundaries of this event are unknown as they extend beyond the assayed region for this gene and therefore may encompass additional genes.

Literature cited by the submitters: PubMed 14985377; PubMed 21441247.

NC_000023.10:g.(?_46466387)_(47489243_?)del

Genes: CFP (complement factor properdin; minus strand), USP11 (ubiquitin specific peptidase 11; plus strand), RGN (regucalcin; plus strand), SYN1 (synapsin I; minus strand), SLC9A7 (solute carrier family 9 member A7; minus strand) and 12 more. Cytogenetic location: Xp11.23.
Variant type: Deletion.
Identifiers: ClinVar variation 2427222 (VCV002427222.8).